The following is an entry in ClinVar:

ClinVar aggregate classification (germline): Uncertain significance (1 of 4 stars; one submission).

Submission:

Ambry Genetics
Classification: Uncertain significance. Last evaluated: 2026-08-29. Review status: criteria provided, single submitter. Criteria: Ambry Variant Classification Scheme 2023. Collection method: clinical testing. Allele origin: germline.
Comment: The p.K498Q variant (also known as c.1492A>C), located in coding exon 12 of the RECQL gene, results from an A to C substitution at nucleotide position 1492. The lysine at codon 498 is replaced by glutamine, an amino acid with similar properties. This amino acid position is conserved. In addition, this alteration is predicted to be tolerated by in silico analysis. Based on the available evidence, the clinical significance of this variant remains unclear.

NM_002907.4(RECQL):c.1492A>C (p.Lys498Gln)

Gene: RECQL (RecQ like helicase; minus strand). Cytogenetic location: 12p12.1.
Variant type: single nucleotide variant.
Coding change: c.1492A>C on transcript NM_002907.4 (MANE Select); coding-DNA position 1492, A replaced by C.
Protein change: p.Lys498Gln; replaces lysine 498 with glutamine.
Molecular consequence: missense variant.
Genome position (GRCh38, 1-based): chr12:21,471,603, T>G on the plus strand (A>C on the coding strand, the complement: RECQL is on the minus strand). VCF-style: chr12-21471603-T-G. GRCh37 (hg19) VCF-style: chr12-21624537-T-G.
Other names: c.1492A>C, p.Lys498Gln (NM_032941.3); short protein forms K498Q.
Identifiers: ClinVar variation 5028062 (VCV005028062.1).